The following is an entry in ClinVar:

NM_000170.3(GLDC):c.2422del (p.Ser808fs)

Gene: GLDC (glycine decarboxylase; minus strand). Cytogenetic location: 9p24.1.
Variant type: Deletion.
Coding change: c.2422del on transcript NM_000170.3 (MANE Select); coding-DNA position 2422, one base deleted (A; older notation c.2422delA).
Protein change: p.Ser808fs; shifts the reading frame from serine 808.
Molecular consequence: frameshift variant.
Genome position (GRCh38, 1-based): chr9:6,553,403, T deleted on the plus strand (A on the coding strand, the reverse complement: GLDC is on the minus strand). VCF-style (leftmost placement, unchanged base first): chr9-6553402-CT-C. GRCh37 (hg19) VCF-style: chr9-6553402-CT-C.
Other names: c.2422delA (NM_000170.2); short protein forms S808fs.
Identifiers: ClinVar variation 56077 (VCV000056077.2), dbSNP rs386833558, ClinGen allele CA263372.

ClinVar aggregate classification (germline): Likely pathogenic (0 of 4 stars; one submission).

Conditions:
Glycine encephalopathy. Also called: Nonketotic hyperglycinemia; Non-ketotic hyperglycinemia. Identifiers: Orphanet 407, MedGen C0751748, MONDO:0011612, HP:0008288.

Submission:

Juha Muilu Group; Institute for Molecular Medicine Finland (FIMM)
Classification: Likely pathogenic for Non-ketotic hyperglycinemia. Review status: no assertion criteria provided. Collection method: not provided. Allele origin: unknown.
Comment: FinDis database variant: This variant was not found or characterized by our laboratory, data were collected from public sources: see reference
ClinVar note: Converted during submission from probable-pathogenic to Likely pathogenic.